The following is an entry in ClinVar:

NM_020871.4(LRCH2):c.1948C>T (p.Arg650Ter)

Gene: LRCH2 (leucine rich repeats and calponin homology domain containing 2; minus strand). Cytogenetic location: Xq23.
Variant type: single nucleotide variant.
Coding change: c.1948C>T on transcript NM_020871.4 (MANE Select); coding-DNA position 1948, C replaced by T.
Protein change: p.Arg650Ter; replaces arginine 650 with a stop codon.
Molecular consequence: nonsense.
Genome position (GRCh38, 1-based): chrX:115,123,094, G>A on the plus strand (C>T on the coding strand, the complement: LRCH2 is on the minus strand). VCF-style: chrX-115123094-G-A. GRCh37 (hg19) VCF-style: chrX-114357657-G-A.
Other names: c.1897C>T, p.Arg633Ter (NM_001243963.2); short protein forms R633*, R650*.
Identifiers: ClinVar variation 2626941 (VCV002626941.1), dbSNP rs2072157881, ClinGen allele CA414326818.

ClinVar aggregate classification (germline): Uncertain significance (1 of 4 stars; one submission).

Allele frequency attached by ClinVar (database versions not stated): gnomAD exomes below 0.00001.
gnomAD v4.1: 4 of 1,207,377 alleles (0.00033%); highest among the groups gnomAD compares: Non-Finnish European, 0.00034%; no homozygotes.

Submission:

Greenwood Genetic Center Diagnostic Laboratories, Greenwood Genetic Center
Classification: Uncertain significance. Last evaluated: 2023-09-14. Review status: criteria provided, single submitter. Criteria: ACMG Guidelines, 2015. Collection method: clinical testing. Allele origin: germline. Affected: yes.
Comment: Gene of Uncertain Significance